The following is an entry in ClinVar:

NM_000059.4(BRCA2):c.68-4dup

Gene: BRCA2 (BRCA2 DNA repair associated; plus strand). Cytogenetic location: 13q13.1.
Variant type: Duplication.
Coding change: c.68-4dup on transcript NM_000059.4 (MANE Select); 4 bases into the intron before coding-DNA position 68, one base duplicated (A; older notation c.68-4dupA).
Molecular consequence: intron variant.
Genome position (GRCh38, 1-based): chr13:32,319,073, A duplicated; the last of 3 consecutive A bases (chr13:32,319,071-32,319,073); duplicating any one gives the same sequence. VCF-style (leftmost placement, unchanged base first): chr13-32319070-T-TA. GRCh37 (hg19) VCF-style: chr13-32893207-T-TA.
Identifiers: ClinVar variation 925371 (VCV000925371.15), dbSNP rs2072283684, ClinGen allele CA1139663047.
Genomic context (GRCh38, chr13:32,319,070, plus strand): 5'-AACTGTTCTGGGTCACAAATTTGTCTGTCACTGGTTAAAACTAAGGTGGGATTTTTTTTT[T>TA]AAATAGATTTAGGACCAATAAGTCTTAATTGGTTTGAAGAACTTTCTTCAGAAGCTCCAC-3'

ClinVar aggregate classification (germline): Conflicting classifications of pathogenicity. Review status: criteria provided, conflicting classifications (1 of 4 stars). 3 submissions from 3 submitters: Uncertain significance (2); Likely benign (1). Last evaluated 2023-10-06.

Conditions:
Hereditary cancer-predisposing syndrome. Also called: Hereditary Cancer Syndrome; Hereditary neoplastic syndrome; Neoplastic Syndromes, Hereditary; Tumor predisposition. Identifiers: Orphanet 140162, MedGen C0027672, MeSH D009386, MONDO:0015356.
Hereditary breast ovarian cancer syndrome. Also called: BRCA1- and BRCA2-Associated Hereditary Breast and Ovarian Cancer; Hereditary breast and ovarian cancer syndrome; Hereditary breast and ovarian cancer syndrome (HBOC); Breast and ovarian cancer; Hereditary breast and ovarian cancer; Hereditary breast and/or ovarian cancer syndrome. Identifiers: Orphanet 145, MedGen C0677776, MeSH D061325, MONDO:0003582. Disease mechanism: loss of function.
Breast-ovarian cancer, familial, susceptibility to, 2 (BROVCA2). Also called: BRCA2 Hereditary Breast and Ovarian Cancer. Identifiers: Orphanet 145, MedGen C2675520, MONDO:0012933, OMIM 612555. Disease mechanism: loss of function.

Submissions (3):

All of Us Research Program, National Institutes of Health
Classification: Uncertain significance for Breast-ovarian cancer, familial, susceptibility to, 2. Last evaluated: 2023-10-06. Review status: criteria provided, single submitter. Criteria: ACMG Guidelines, 2015. Collection method: clinical testing. Allele origin: germline. Inheritance: Autosomal dominant inheritance. Observed: 1 variant allele, 1 heterozygote.
Comment: This variant causes the insertion of an adenosine at the -4 position of intron 2 of the BRCA2 gene. To our knowledge, functional studies have not been reported for this variant. This variant has not been reported in individuals affected with BRCA2-related disorders in the literature. This variant has not been identified in the general population by the Genome Aggregation Database (gnomAD). The available evidence is insufficient to determine the role of this variant in disease conclusively. Therefore, this variant is classified as a Variant of Uncertain Significance.

This study involves interpretation of variants in research participants for the purpose of population health screening. Participant phenotype was not available at the time of variant classification. Additional details can be found in publication PMID: 35346344, PMCID: PMC8962531

Color Diagnostics, LLC DBA Color Health
Classification: Uncertain significance for Hereditary cancer-predisposing syndrome. Last evaluated: 2023-09-27. Review status: criteria provided, single submitter. Criteria: ACMG Guidelines, 2015. Collection method: clinical testing. Allele origin: germline.
Comment: This variant causes the insertion of an adenosine at the -4 position of intron 2 of the BRCA2 gene. To our knowledge, functional studies have not been reported for this variant. This variant has not been reported in individuals affected with BRCA2-related disorders in the literature. This variant has not been identified in the general population by the Genome Aggregation Database (gnomAD). The available evidence is insufficient to determine the role of this variant in disease conclusively. Therefore, this variant is classified as a Variant of Uncertain Significance.

Labcorp Genetics (formerly Invitae), Labcorp
Classification: Likely benign for Hereditary breast ovarian cancer syndrome. Last evaluated: 2019-07-25. Review status: criteria provided, single submitter. Criteria: Invitae Variant Classification Sherloc (09022015). Collection method: clinical testing. Allele origin: germline.